The following is an entry in ClinVar:

NC_000002.11:g.(?_215593400)_(215634046_?)del

Gene: BARD1 (BRCA1 associated RING domain 1; minus strand). Cytogenetic location: 2q35.
Variant type: Deletion.
Identifiers: ClinVar variation 2423135 (VCV002423135.2).

ClinVar aggregate classification (germline): Pathogenic (1 of 4 stars; one submission).

Conditions:
Familial cancer of breast. Also called: Hereditary breast cancer; hereditary breast carcinoma; BREAST CANCER, FAMILIAL. Identifiers: Orphanet 227535, MedGen C0346153, MONDO:0016419, OMIM 114480. Disease mechanism: loss of function.

Submission:

Labcorp Genetics (formerly Invitae), Labcorp
Classification: Pathogenic for Familial cancer of breast. Last evaluated: 2022-07-09. Review status: criteria provided, single submitter. Criteria: Invitae Variant Classification Sherloc (09022015). Collection method: clinical testing. Allele origin: germline.
Comment: This variant is a gross deletion of the genomic region encompassing exon(s) 5-11 of the BARD1 gene, which includes the termination codon. This deletion extends beyond the assayed region for this gene and therefore may encompass additional genes. While this deletion is not anticipated to lead to nonsense mediated decay, it is expected to alter mRNA translation or result in a truncated protein product. A similar copy number variant has been observed in individual(s) with breast cancer (Invitae). This variant disrupts a region of the BARD1 protein in which other variant(s) (Deletion (Exons 7-11)) have been determined to be pathogenic (PMID: 17848578). This suggests that this is a clinically significant region of the protein, and that variants that disrupt it are likely to be disease-causing. For these reasons, this variant has been classified as Pathogenic.

Literature cited by the submitters: PubMed 17848578.